The following is an entry in ClinVar:

ClinVar aggregate classification (germline): Uncertain significance. Review status: criteria provided, multiple submitters, no conflicts (2 of 4 stars). 2 submissions from 2 submitters: Uncertain significance (2). Last evaluated 2022-01-10.

Conditions:
Developmental and epileptic encephalopathy, 62. Also called: Early infantile epileptic encephalopathy 62. Identifiers: MedGen C4693699, MONDO:0033371, OMIM 617938.
Epilepsy, familial focal, with variable foci 4 (FFEVF4). Identifiers: MedGen C4693694, MONDO:0054776, OMIM 617935.

Submissions (2):

Revvity Omics, Revvity
Classification: Uncertain significance. Last evaluated: 2022-01-10. Review status: criteria provided, single submitter. Criteria: ACMG Guidelines, 2015. Collection method: clinical testing. Allele origin: germline.

Juno Genomics, Hangzhou Juno Genomics, Inc
Classification: Uncertain significance for Developmental and epileptic encephalopathy, 62; Epilepsy, familial focal, with variable foci 4. Review status: criteria provided, single submitter. Criteria: ACMG Guidelines, 2015. Collection method: clinical testing. Allele origin: germline.
Comment: Absent from controls (or at extremely low frequency if recessive) in Genome Aggregation Database.;Multiple lines of computational evidence support a deleterious effect on the gene or gene product.

NM_006922.4(SCN3A):c.478A>G (p.Thr160Ala)

Gene: SCN3A (sodium voltage-gated channel alpha subunit 3; minus strand). Cytogenetic location: 2q24.3.
Variant type: single nucleotide variant.
Coding change: c.478A>G on transcript NM_006922.4 (MANE Select); coding-DNA position 478, A replaced by G.
Protein change: p.Thr160Ala; replaces threonine 160 with alanine.
Molecular consequence: missense variant.
Genome position (GRCh38, 1-based): chr2:165,164,516, T>C on the plus strand (A>G on the coding strand, the complement: SCN3A is on the minus strand). VCF-style: chr2-165164516-T-C. GRCh37 (hg19) VCF-style: chr2-166021026-T-C.
Other names: c.478A>G, p.Thr160Ala (NM_001081676.2, NM_001081677.2); short protein forms T160A.
Identifiers: ClinVar variation 2435703 (VCV002435703.5), dbSNP rs2468493570, ClinGen allele CA349240154.